The following is an entry in ClinVar:

NM_006734.4(HIVEP2):c.312A>G (p.Ser104=)

Gene: HIVEP2 (HIVEP zinc finger 2; minus strand). Cytogenetic location: 6q24.2.
Variant type: single nucleotide variant.
Coding change: c.312A>G on transcript NM_006734.4 (MANE Select); coding-DNA position 312, A replaced by G.
Protein change: p.Ser104=; no amino-acid change (serine 104 retained).
Molecular consequence: synonymous variant.
Genome position (GRCh38, 1-based): chr6:142,774,427, T>C on the plus strand (A>G on the coding strand, the complement: HIVEP2 is on the minus strand). VCF-style: chr6-142774427-T-C. GRCh37 (hg19) VCF-style: chr6-143095564-T-C.
Identifiers: ClinVar variation 2170552 (VCV002170552.29), dbSNP rs34175479, ClinGen allele CA4028758.

ClinVar aggregate classification (germline): Benign/Likely benign. Review status: criteria provided, multiple submitters, no conflicts (2 of 4 stars). 3 submissions from 3 submitters: Benign (1); Likely benign (2). Last evaluated 2025-12-01.

Allele frequency attached by ClinVar (database versions not stated): ExAC 0.00042; gnomAD 0.00098; TOPMed 0.00107; ESP Exome Variant Server 0.00109; 1000 Genomes Project 0.00120; 1000 Genomes Project 30x 0.00141.
gnomAD v4.1: 338 of 1,614,122 alleles (0.021%); highest among the groups gnomAD compares: African/African-American, 0.35%; 2 homozygotes.

Submissions (3):

Labcorp Genetics (formerly Invitae), Labcorp
Classification: Benign. Last evaluated: 2025-12-01. Review status: criteria provided, single submitter. Criteria: Invitae Variant Classification Sherloc (09022015). Collection method: clinical testing. Allele origin: germline.

Blueprint Genetics
Classification: Likely benign. Last evaluated: 2024-11-14. Review status: criteria provided, single submitter. Criteria: ACMG Guidelines, 2015. Collection method: clinical testing. Allele origin: germline.

CeGaT Center for Human Genetics Tuebingen
Classification: Likely benign. Last evaluated: 2023-05-01. Review status: criteria provided, single submitter. Criteria: CeGaT Center For Human Genetics Tuebingen Variant Classification Criteria Version 2. Collection method: clinical testing. Allele origin: germline. Affected: yes. Observed: 2 variant alleles.
Comment: HIVEP2: BP4, BP7